The following is an entry in ClinVar:

NM_001145026.2(PTPRQ):c.4244G>T (p.Gly1415Val)

Gene: PTPRQ (protein tyrosine phosphatase receptor type Q; plus strand). Cytogenetic location: 12q21.31.
Variant type: single nucleotide variant.
Coding change: c.4244G>T on transcript NM_001145026.2 (MANE Select); coding-DNA position 4244, G replaced by T.
Protein change: p.Gly1415Val; replaces glycine 1415 with valine.
Molecular consequence: missense variant.
Genome position (GRCh38, 1-based): chr12:80,549,693, G>T. VCF-style: chr12-80549693-G-T. GRCh37 (hg19) VCF-style: chr12-80943472-G-T.
Other names: short protein forms G1415V.
Identifiers: ClinVar variation 5037029 (VCV005037029.1).

ClinVar aggregate classification (germline): Uncertain significance (1 of 4 stars; one submission).

Submission:

GeneDx
Classification: Uncertain significance. Last evaluated: 2026-04-14. Review status: criteria provided, single submitter. Criteria: GeneDx Variant Classification Process June 2021. Collection method: clinical testing. Allele origin: germline.
Comment: Not observed at significant frequency in large population cohorts (gnomAD); In silico analysis supports that this missense variant has a deleterious effect on protein structure/function; Has not been previously published as pathogenic or benign to our knowledge